The following is an entry in ClinVar:

NM_005529.7(HSPG2):c.4522G>A (p.Ala1508Thr)

Gene: HSPG2 (heparan sulfate proteoglycan 2; minus strand). Cytogenetic location: 1p36.12.
Variant type: single nucleotide variant.
Coding change: c.4522G>A on transcript NM_005529.7 (MANE Select); coding-DNA position 4522, G replaced by A.
Protein change: p.Ala1508Thr; replaces alanine 1508 with threonine.
Molecular consequence: missense variant.
Genome position (GRCh38, 1-based): chr1:21,864,947, C>T on the plus strand (G>A on the coding strand, the complement: HSPG2 is on the minus strand). VCF-style: chr1-21864947-C-T. GRCh37 (hg19) VCF-style: chr1-22191440-C-T.
Other names: c.4525G>A, p.Ala1509Thr (NM_001291860.2); short protein forms A1508T, A1509T.
Identifiers: ClinVar variation 2151214 (VCV002151214.5), dbSNP rs761218635, ClinGen allele CA672245.

ClinVar aggregate classification (germline): Uncertain significance. Review status: criteria provided, multiple submitters, no conflicts (2 of 4 stars). 2 submissions from 2 submitters: Uncertain significance (2). Last evaluated 2025-06-10.

Allele frequency attached by ClinVar (database versions not stated): gnomAD exomes 0.00001; ExAC 0.00002.
gnomAD v4.1: 10 of 1,605,332 alleles (0.00062%); highest among the groups gnomAD compares: East Asian, 0.0067%; no homozygotes.

Submissions (2):

Labcorp Genetics (formerly Invitae), Labcorp
Classification: Uncertain significance. Last evaluated: 2025-06-10. Review status: criteria provided, single submitter. Criteria: Invitae Variant Classification Sherloc (09022015). Collection method: clinical testing. Allele origin: germline.
Comment: This sequence change replaces alanine, which is neutral and non-polar, with threonine, which is neutral and polar, at codon 1508 of the HSPG2 protein (p.Ala1508Thr). The frequency data for this variant in the population databases is considered unreliable, as metrics indicate poor data quality at this position in the gnomAD database. This variant has not been reported in the literature in individuals affected with HSPG2-related conditions. ClinVar contains an entry for this variant (Variation ID: 2151214). An algorithm developed to predict the effect of missense changes on protein structure and function (PolyPhen-2) suggests that this variant is likely to be tolerated. In summary, the available evidence is currently insufficient to determine the role of this variant in disease. Therefore, it has been classified as a Variant of Uncertain Significance.

Blueprint Genetics
Classification: Uncertain significance. Last evaluated: 2021-04-08. Review status: criteria provided, single submitter. Criteria: ACMG Guidelines, 2015. Collection method: clinical testing. Allele origin: germline.